The following is an entry in ClinVar:

NM_001013838.3(CARMIL2):c.4008G>C (p.Glu1336Asp)

Gene: CARMIL2 (capping protein regulator and myosin 1 linker 2; plus strand). Cytogenetic location: 16q22.1.
Variant type: single nucleotide variant.
Coding change: c.4008G>C on transcript NM_001013838.3 (MANE Select); coding-DNA position 4008, G replaced by C.
Protein change: p.Glu1336Asp; replaces glutamic acid 1336 with aspartic acid.
Molecular consequence: missense variant.
Genome position (GRCh38, 1-based): chr16:67,656,617, G>C. VCF-style: chr16-67656617-G-C. GRCh37 (hg19) VCF-style: chr16-67690520-G-C.
Other names: c.3900G>C, p.Glu1300Asp (NM_001317026.3); short protein forms E1336D, E1300D.
Identifiers: ClinVar variation 2107747 (VCV002107747.4), dbSNP rs2142958794, ClinGen allele CA396348716.
Genomic context (GRCh38, chr16:67,656,617, plus strand): 5'-TGGTCAAAGCCCAAGTCCCTGCAGAACCAGCCCCTCCCCAGACAGCCTGGGCCTCCCAGA[G>C]GACCCTTGCTTGGGCCCCAGAAATGAAGGTAGGCAGGCACCTGATTCCCCACCCCAATCC-3'
Protein context (NP_001013860.1, residues 1326-1346): SPSPDSLGLP[Glu1336Asp]DPCLGPRNED

ClinVar aggregate classification (germline): Uncertain significance (1 of 4 stars; one submission).

Allele frequency attached by ClinVar (database versions not stated): gnomAD exomes below 0.00001.
gnomAD v4.1: 1 of 1,602,000 alleles (0.000062%); highest among the groups gnomAD compares: Non-Finnish European, 0.000085%; no homozygotes.

Submission:

Labcorp Genetics (formerly Invitae), Labcorp
Classification: Uncertain significance. Last evaluated: 2022-03-09. Review status: criteria provided, single submitter. Criteria: Invitae Variant Classification Sherloc (09022015). Collection method: clinical testing. Allele origin: germline.
Comment: In summary, the available evidence is currently insufficient to determine the role of this variant in disease. Therefore, it has been classified as a Variant of Uncertain Significance. Algorithms developed to predict the effect of missense changes on protein structure and function are either unavailable or do not agree on the potential impact of this missense change (SIFT: "Tolerated"; PolyPhen-2: "Probably Damaging"; Align-GVGD: "Class C0"). This variant has not been reported in the literature in individuals affected with CARMIL2-related conditions. This variant is not present in population databases (gnomAD no frequency). This sequence change replaces glutamic acid, which is acidic and polar, with aspartic acid, which is acidic and polar, at codon 1336 of the CARMIL2 protein (p.Glu1336Asp).